The following is an entry in ClinVar:

NM_001605.3(AARS1):c.2874C>G (p.Phe958Leu)

Gene: AARS1 (alanyl-tRNA synthetase 1; minus strand). Cytogenetic location: 16q22.1.
Variant type: single nucleotide variant.
Coding change: c.2874C>G on transcript NM_001605.3 (MANE Select); coding-DNA position 2874, C replaced by G.
Protein change: p.Phe958Leu; replaces phenylalanine 958 with leucine.
Molecular consequence: missense variant.
Genome position (GRCh38, 1-based): chr16:70,252,754, G>C on the plus strand (C>G on the coding strand, the complement: AARS1 is on the minus strand). VCF-style: chr16-70252754-G-C. GRCh37 (hg19) VCF-style: chr16-70286657-G-C.
Other names: short protein forms F958L.
Identifiers: ClinVar variation 3679843 (VCV003679843.3).
Genomic context (GRCh38, chr16:70,252,754, plus strand): 5'-TCCAGTGGGAGCCTCCTCCTTCCCCACTCAGTTCTTTACATCCCCGAGGCGCAGCTGGGC[G>C]AAGGAAGTGGCCAGCTGCAGCGCCTCCTGCAGGCAGCCAACGTTCTTGCCTGTGGCCTGT-3'
Protein context (NP_001596.2, residues 948-968): LQEALQLATS[Phe958Leu]AQLRLGDVKN

ClinVar aggregate classification (germline): Uncertain significance. Review status: criteria provided, multiple submitters, no conflicts (2 of 4 stars). 2 submissions from 2 submitters: Uncertain significance (2). Last evaluated 2025-03-17.

Conditions:
Charcot-Marie-Tooth disease type 2. Also called: Charcot-Marie-Tooth type 2. Identifiers: Orphanet 64746, MedGen C0270914, MONDO:0018993.

gnomAD v4.1: 1 of 1,614,164 alleles (0.000062%); highest among the groups gnomAD compares: Non-Finnish European, 0.000085%; no homozygotes.

Submissions (2):

GeneDx
Classification: Uncertain significance. Last evaluated: 2025-03-17. Review status: criteria provided, single submitter. Criteria: GeneDx Variant Classification Process June 2021. Collection method: clinical testing. Allele origin: germline. Affected: yes.
Comment: Not observed at significant frequency in large population cohorts (gnomAD); In silico analysis supports that this missense variant has a deleterious effect on protein structure/function; Has not been previously published as pathogenic or benign to our knowledge; This variant is associated with the following publications: (PMID: 25817015)

Labcorp Genetics (formerly Invitae), Labcorp
Classification: Uncertain significance for Charcot-Marie-Tooth disease type 2. Last evaluated: 2024-04-01. Review status: criteria provided, single submitter. Criteria: Invitae Variant Classification Sherloc (09022015). Collection method: clinical testing. Allele origin: germline.
Comment: This sequence change replaces phenylalanine, which is neutral and non-polar, with leucine, which is neutral and non-polar, at codon 958 of the AARS protein (p.Phe958Leu). This variant is not present in population databases (gnomAD no frequency). This variant has not been reported in the literature in individuals affected with AARS-related conditions. Advanced modeling of protein sequence and biophysical properties (such as structural, functional, and spatial information, amino acid conservation, physicochemical variation, residue mobility, and thermodynamic stability) performed at Invitae indicates that this missense variant is not expected to disrupt AARS protein function with a negative predictive value of 95%. In summary, the available evidence is currently insufficient to determine the role of this variant in disease. Therefore, it has been classified as a Variant of Uncertain Significance.